The following is an entry in ClinVar:

NM_004360.5(CDH1):c.2296-1G>A

Gene: CDH1 (cadherin 1; plus strand). Cytogenetic location: 16q22.1.
Variant type: single nucleotide variant.
Coding change: c.2296-1G>A on transcript NM_004360.5 (MANE Select); the canonical splice acceptor site of the intron before coding-DNA position 2296, G replaced by A.
Molecular consequence: splice acceptor variant.
Genome position (GRCh38, 1-based): chr16:68,829,653, G>A. VCF-style: chr16-68829653-G-A. GRCh37 (hg19) VCF-style: chr16-68863556-G-A.
Other names: c.748-1G>A (NM_001317185.2); c.331-1G>A (NM_001317186.2); c.2113-1G>A (NM_001317184.2).
Identifiers: ClinVar variation 371806 (VCV000371806.27), dbSNP rs1057517542, ClinGen allele CA16042157.
Genomic context (GRCh38, chr16:68,829,653, plus strand): 5'-CCTGTGTGTATGACTATTTCTTTCCTACTCTTCATTGTACTTCAACCTTTTTTCTCCAAA[G>A]GACTTTGACTTGAGCCAGCTGCACAGGGGCCTGGACGCTCGGCCTGAAGTGACTCGTAAC-3'

ClinVar aggregate classification (germline): Likely pathogenic. Review status: reviewed by expert panel (3 of 4 stars). 8 submissions from 8 submitters: Likely pathogenic (1). 7 of the submissions do not count toward it. Last evaluated 2023-08-24.

Conditions:
CDH1-related diffuse gastric and lobular breast cancer syndrome. Also called: CDH1-related diffuse gastric and lobular breast cancer. Identifiers: MedGen CN311521, MONDO:0100488.
Hereditary cancer-predisposing syndrome. Also called: Tumor predisposition; Hereditary Cancer Syndrome; Hereditary neoplastic syndrome; Neoplastic Syndromes, Hereditary. Identifiers: Orphanet 140162, MedGen C0027672, MeSH D009386, MONDO:0015356.
Hereditary diffuse gastric adenocarcinoma (HDGC). Also called: DIFFUSE GASTRIC AND LOBULAR BREAST CANCER SYNDROME. Identifiers: Orphanet 26106, MedGen C1708349, MONDO:0007648, OMIM 137215.

Submissions (8):

Clingen Gastric Cancer Variant Curation Expert Panel
Classification: Likely pathogenic for CDH1-related diffuse gastric and lobular breast cancer syndrome. Last evaluated: 2023-08-24. Review status: reviewed by expert panel. Criteria: ClinGen CDH1 ACMG Specifications V3.1. Collection method: curation. Allele origin: germline. Inheritance: Autosomal dominant inheritance.
Comment: The c.2296-1G>A variant is a canonical splice variant predicted to result in a truncated or absent protein (PVS1_Strong, PM5_Supporting). This variant is absent in the gnomAD cohort (PM2_supporting). This variant has been reported in at least three families meeting HDGC clinical criteria (PS4_moderate; SCV000580714.3). In summary, this variant meets criteria to be classified as likely pathogenic based on the ACMG/AMP criteria applied as specified by the CDH1 Variant Curation Expert Panel (Variant Interpretation Guidelines Version 3.1): PVS1_strong, PS4_moderate, PM2_supporting, PM5_supporting.

Labcorp Genetics (formerly Invitae), Labcorp
Classification: Pathogenic for Hereditary diffuse gastric adenocarcinoma. Last evaluated: 2025-04-26. Review status: criteria provided, single submitter. Criteria: Invitae Variant Classification Sherloc (09022015). Collection method: clinical testing. Allele origin: germline. Not counted in ClinVar's aggregate classification.
Comment: This sequence change affects an acceptor splice site in intron 14 of the CDH1 gene. It is expected to disrupt RNA splicing. Variants that disrupt the donor or acceptor splice site typically lead to a loss of protein function (PMID: 16199547), and loss-of-function variants in CDH1 are known to be pathogenic (PMID: 15235021, 20373070). This variant is not present in population databases (gnomAD no frequency). Disruption of this splice site has been observed in individuals with hereditary diffuse gastric cancer (internal data). ClinVar contains an entry for this variant (Variation ID: 371806). Algorithms developed to predict the effect of sequence changes on RNA splicing suggest that this variant may disrupt the consensus splice site. For these reasons, this variant has been classified as Pathogenic.

Ambry Genetics
Classification: Pathogenic for Hereditary cancer-predisposing syndrome. Last evaluated: 2024-11-25. Review status: criteria provided, single submitter. Criteria: Ambry Variant Classification Scheme 2023. Collection method: clinical testing. Allele origin: germline. Not counted in ClinVar's aggregate classification.
Comment: The c.2296-1G>A intronic pathogenic mutation results from a G to A substitution one nucleotide upstream from coding exon 15 of the CDH1 gene. This variant was reported in individual(s) with features consistent with CDH1-related diffuse gastric and lobular breast cancer (DGLBC) (Ambry internal data). This variant is considered to be rare based on population cohorts in the Genome Aggregation Database (gnomAD). This nucleotide position is highly conserved in available vertebrate species. In silico splice site analysis predicts that this alteration will weaken the native splice acceptor site and will result in the creation or strengthening of a novel splice acceptor site; however, direct evidence is insufficient at this time (Ambry internal data). Alterations that disrupt the canonical splice site are expected to cause aberrant splicing, resulting in an abnormal protein or a transcript that is subject to nonsense-mediated mRNA decay. As such, this alteration is classified as a disease-causing mutation.

GeneDx
Classification: Likely pathogenic. Last evaluated: 2023-12-30. Review status: criteria provided, single submitter. Criteria: GeneDx Variant Classification Process June 2021. Collection method: clinical testing. Allele origin: germline. Affected: yes. Not counted in ClinVar's aggregate classification.
Comment: Canonical splice site variant predicted to result in an in-frame loss of the adjacent exon in a gene for which loss of function is a known mechanism of disease; Not observed at significant frequency in large population cohorts (gnomAD); This variant is associated with the following publications: (PMID: 15235021, 22850631, 31296550, 31871109)

Myriad Genetics, Inc.
Classification: Pathogenic for Hereditary diffuse gastric adenocarcinoma. Last evaluated: 2023-05-10. Review status: criteria provided, single submitter. Criteria: Myriad Autosomal Dominant, Autosomal Recessive and X-Linked Classification Criteria (2023). Collection method: clinical testing. Allele origin: unknown. Not counted in ClinVar's aggregate classification.
Comment: This variant is considered pathogenic. This variant occurs within a consensus splice junction and is predicted to result in abnormal mRNA splicing of either an out-of-frame exon or an in-frame exon necessary for protein stability and/or normal function. mRNA analysis has demonstrated abnormal mRNA splicing occurs [Myriad internal data].

Quest Diagnostics Nichols Institute San Juan Capistrano
Classification: Pathogenic. Last evaluated: 2022-10-18. Review status: criteria provided, single submitter. Criteria: Quest Diagnostics criteria. Collection method: clinical testing. Allele origin: unknown. Not counted in ClinVar's aggregate classification.
Comment: This variant disrupts a canonical splice-acceptor site and interferes with normal CDH1 mRNA splicing. This variant has not been reported in large, multi-ethnic general populations. In the published literature, the variant has been reported in an individual with breast cancer (PMID: 31871109 (2019)). The variant has also been reported in families that meet hereditary diffuse gastric cancer criteria. Based on the available information, this variant is classified as pathogenic.

Color Diagnostics, LLC DBA Color Health
Classification: Pathogenic for Hereditary cancer-predisposing syndrome. Last evaluated: 2021-03-24. Review status: criteria provided, single submitter. Criteria: ACMG Guidelines, 2015. Collection method: clinical testing. Allele origin: germline. Not counted in ClinVar's aggregate classification.
Comment: This variant causes a G to A nucleotide substitution at the -1 position of intron 14 of the CDH1 gene. Splice site prediction tools predict that this variant may have a significant impact on RNA splicing. To our knowledge, RNA functional studies have not been reported for this variant. This variant has been reported in individuals affected with early-onset breast cancer (PMID: 31871109) and hereditary diffuse gastric cancer (PMID: 31296550, Color internal data). This variant has not been identified in the general population by the Genome Aggregation Database (gnomAD). Loss of CDH1 function is a known mechanism of disease. Based on the available evidence, this variant is classified as Pathogenic.

Counsyl
Classification: Likely pathogenic for Hereditary diffuse gastric adenocarcinoma. Last evaluated: 2015-12-18. Review status: no assertion criteria provided. Collection method: clinical testing. Allele origin: unknown. Not counted in ClinVar's aggregate classification.

Literature cited by the submitters: PubMed 16199547 (cited by Labcorp Genetics (formerly Invitae), Labcorp); PubMed 15235021 (cited by Labcorp Genetics (formerly Invitae), Labcorp); PubMed 20373070 (cited by Labcorp Genetics (formerly Invitae), Labcorp); PubMed 31871109 (cited by Quest Diagnostics Nichols Institute San Juan Capistrano).